The following is an entry in ClinVar:

ClinVar aggregate classification (germline): Uncertain significance (1 of 4 stars; one submission).

Conditions:
Intellectual developmental disorder, X-linked, syndromic, Raymond type. Also called: Syndromic X-linked intellectual disability Raymond type. Identifiers: MedGen C3275406, MONDO:0010427, OMIM 300799.

Allele frequency attached by ClinVar (database versions not stated): gnomAD exomes below 0.00001; TOPMed below 0.00001; gnomAD 0.00002.
gnomAD v4.1: 3 of 1,209,532 alleles (0.00025%); highest among the groups gnomAD compares: African/African-American, 0.0035%; no homozygotes.

Submission:

Labcorp Genetics (formerly Invitae), Labcorp
Classification: Uncertain significance for Intellectual developmental disorder, X-linked, syndromic, Raymond type. Last evaluated: 2022-02-01. Review status: criteria provided, single submitter. Criteria: Invitae Variant Classification Sherloc (09022015). Collection method: clinical testing. Allele origin: germline.
Comment: This sequence change replaces methionine, which is neutral and non-polar, with valine, which is neutral and non-polar, at codon 74 of the ZDHHC9 protein (p.Met74Val). In summary, the available evidence is currently insufficient to determine the role of this variant in disease. Therefore, it has been classified as a Variant of Uncertain Significance. Algorithms developed to predict the effect of missense changes on protein structure and function output the following: SIFT: "Tolerated"; PolyPhen-2: "Benign"; Align-GVGD: "Class C0". The valine amino acid residue is found in multiple mammalian species, which suggests that this missense change does not adversely affect protein function. This variant has not been reported in the literature in individuals affected with ZDHHC9-related conditions. This variant is present in population databases (no rsID available, gnomAD 0.02%), including at least one homozygous and/or hemizygous individual.

NM_016032.4(ZDHHC9):c.220A>G (p.Met74Val)

Gene: ZDHHC9 (zDHHC palmitoyltransferase 9; minus strand). Cytogenetic location: Xq26.1.
Variant type: single nucleotide variant.
Coding change: c.220A>G on transcript NM_016032.4 (MANE Select); coding-DNA position 220, A replaced by G.
Protein change: p.Met74Val; replaces methionine 74 with valine.
Molecular consequence: missense variant.
Genome position (GRCh38, 1-based): chrX:129,829,089, T>C on the plus strand (A>G on the coding strand, the complement: ZDHHC9 is on the minus strand). VCF-style: chrX-129829089-T-C. GRCh37 (hg19) VCF-style: chrX-128963065-T-C.
Other names: c.220A>G, p.Met74Val (NM_001008222.3); short protein forms M74V.
Identifiers: ClinVar variation 1939144 (VCV001939144.5), dbSNP rs1415170354, ClinGen allele CA414593059.